The following is an entry in ClinVar:

NM_138927.4(SON):c.824T>C (p.Val275Ala)

Gene: SON (SON DNA and RNA binding protein; plus strand). Cytogenetic location: 21q22.11.
Variant type: single nucleotide variant.
Coding change: c.824T>C on transcript NM_138927.4 (MANE Select); coding-DNA position 824, T replaced by C.
Protein change: p.Val275Ala; replaces valine 275 with alanine.
Molecular consequence: missense variant. On other transcripts: non-coding transcript variant (1), intron variant (1).
Genome position (GRCh38, 1-based): chr21:33,550,055, T>C. VCF-style: chr21-33550055-T-C. GRCh37 (hg19) VCF-style: chr21-34922361-T-C.
Other names: c.824T>C, p.Val275Ala (NM_001291411.2, NM_001412133.1, NM_032195.3 and 2 more transcripts); c.244+3676T>C (NM_001291412.3); short protein forms V275A.
Identifiers: ClinVar variation 2195356 (VCV002195356.1), dbSNP rs2085724546, ClinGen allele CA410152290.

ClinVar aggregate classification (germline): Uncertain significance (1 of 4 stars; one submission).

Allele frequency attached by ClinVar (database versions not stated): gnomAD exomes below 0.00001; TOPMed below 0.00001; gnomAD 0.00001.
gnomAD v4.1: 3 of 1,614,044 alleles (0.00019%); highest among the groups gnomAD compares: Non-Finnish European, 0.00025%; no homozygotes.

Submission:

Labcorp Genetics (formerly Invitae), Labcorp
Classification: Uncertain significance. Last evaluated: 2022-07-13. Review status: criteria provided, single submitter. Criteria: Invitae Variant Classification Sherloc (09022015). Collection method: clinical testing. Allele origin: germline.
Comment: This sequence change replaces valine, which is neutral and non-polar, with alanine, which is neutral and non-polar, at codon 275 of the SON protein (p.Val275Ala). This variant is not present in population databases (gnomAD no frequency). This variant has not been reported in the literature in individuals affected with SON-related conditions. Algorithms developed to predict the effect of missense changes on protein structure and function output the following: SIFT: "Deleterious"; PolyPhen-2: "Benign"; Align-GVGD: "Class C0". The alanine amino acid residue is found in multiple mammalian species, which suggests that this missense change does not adversely affect protein function. In summary, the available evidence is currently insufficient to determine the role of this variant in disease. Therefore, it has been classified as a Variant of Uncertain Significance.